The following is an entry in ClinVar:

ClinVar aggregate classification (germline): Uncertain significance. Review status: criteria provided, multiple submitters, no conflicts (2 of 4 stars). 2 submissions from 2 submitters: Uncertain significance (2). Last evaluated 2022-05-17.

Allele frequency attached by ClinVar (database versions not stated): TOPMed 0.00001; gnomAD 0.00002; gnomAD exomes 0.00002; ESP Exome Variant Server 0.00008; ExAC 0.00012.

Submissions (2):

Blueprint Genetics
Classification: Uncertain significance. Last evaluated: 2022-05-17. Review status: criteria provided, single submitter. Criteria: ACMG Guidelines, 2015. Collection method: clinical testing. Allele origin: germline.

Labcorp Genetics (formerly Invitae), Labcorp
Classification: Uncertain significance. Last evaluated: 2021-09-01. Review status: criteria provided, single submitter. Criteria: Invitae Variant Classification Sherloc (09022015). Collection method: clinical testing. Allele origin: germline.
Comment: This sequence change replaces alanine with threonine at codon 1429 of the KIAA1549 protein (p.Ala1429Thr). The alanine residue is moderately conserved and there is a small physicochemical difference between alanine and threonine. This variant is present in population databases (rs370611779, ExAC 0.02%). This variant has not been reported in the literature in individuals affected with KIAA1549-related conditions. Algorithms developed to predict the effect of missense changes on protein structure and function output the following: SIFT: "Tolerated"; PolyPhen-2: "Benign"; Align-GVGD: "Class C0". The threonine amino acid residue is found in multiple mammalian species, which suggests that this missense change does not adversely affect protein function. In summary, the available evidence is currently insufficient to determine the role of this variant in disease. Therefore, it has been classified as a Variant of Uncertain Significance.

NM_001164665.2(KIAA1549):c.4285G>A (p.Ala1429Thr)

Gene: KIAA1549 (KIAA1549; minus strand). Cytogenetic location: 7q34.
Variant type: single nucleotide variant.
Coding change: c.4285G>A on transcript NM_001164665.2 (MANE Select); coding-DNA position 4285, G replaced by A.
Protein change: p.Ala1429Thr; replaces alanine 1429 with threonine.
Molecular consequence: missense variant.
Genome position (GRCh38, 1-based): chr7:138,879,598, C>T on the plus strand (G>A on the coding strand, the complement: KIAA1549 is on the minus strand). VCF-style: chr7-138879598-C-T. GRCh37 (hg19) VCF-style: chr7-138564344-C-T.
Other names: c.4285G>A, p.Ala1429Thr (NM_020910.3); short protein forms A1429T.
Identifiers: ClinVar variation 1000622 (VCV001000622.7), dbSNP rs370611779, ClinGen allele CA4505954.